The following is an entry in ClinVar:

NM_000440.3(PDE6A):c.820A>G (p.Arg274Gly)

Gene: PDE6A (phosphodiesterase 6A; minus strand). Cytogenetic location: 5q32.
Variant type: single nucleotide variant.
Coding change: c.820A>G on transcript NM_000440.3 (MANE Select); coding-DNA position 820, A replaced by G.
Protein change: p.Arg274Gly; replaces arginine 274 with glycine.
Molecular consequence: missense variant.
Genome position (GRCh38, 1-based): chr5:149,931,066, T>C on the plus strand (A>G on the coding strand, the complement: PDE6A is on the minus strand). VCF-style: chr5-149931066-T-C. GRCh37 (hg19) VCF-style: chr5-149310629-T-C.
Other names: short protein forms R274G.
Identifiers: ClinVar variation 840314 (VCV000840314.8), dbSNP rs942365236, ClinGen allele CA129053610.

ClinVar aggregate classification (germline): Uncertain significance. Review status: criteria provided, multiple submitters, no conflicts (2 of 4 stars). 2 submissions from 2 submitters: Uncertain significance (2). Last evaluated 2024-05-24.

Allele frequency attached by ClinVar (database versions not stated): gnomAD exomes below 0.00001; TOPMed below 0.00001.
gnomAD v4.1: 11 of 1,614,132 alleles (0.00068%); highest among the groups gnomAD compares: East Asian, 0.0089%; no homozygotes.

Submissions (2):

Blueprint Genetics
Classification: Uncertain significance. Last evaluated: 2024-05-24. Review status: criteria provided, single submitter. Criteria: ACMG Guidelines, 2015. Collection method: clinical testing. Allele origin: germline.

Labcorp Genetics (formerly Invitae), Labcorp
Classification: Uncertain significance. Last evaluated: 2022-02-25. Review status: criteria provided, single submitter. Criteria: Invitae Variant Classification Sherloc (09022015). Collection method: clinical testing. Allele origin: germline.
Comment: This sequence change replaces arginine, which is basic and polar, with glycine, which is neutral and non-polar, at codon 274 of the PDE6A protein (p.Arg274Gly). The frequency data for this variant in the population databases is considered unreliable, as metrics indicate poor data quality at this position in the gnomAD database. This variant has not been reported in the literature in individuals affected with PDE6A-related conditions. ClinVar contains an entry for this variant (Variation ID: 840314). Algorithms developed to predict the effect of missense changes on protein structure and function are either unavailable or do not agree on the potential impact of this missense change (SIFT: "Tolerated"; PolyPhen-2: "Probably Damaging"; Align-GVGD: "Class C0"). In summary, the available evidence is currently insufficient to determine the role of this variant in disease. Therefore, it has been classified as a Variant of Uncertain Significance.